The following is an entry in ClinVar:

NM_182961.4(SYNE1):c.9319del (p.Ile3107fs)

Gene: SYNE1 (spectrin repeat containing nuclear envelope protein 1; minus strand). Cytogenetic location: 6q25.2.
Variant type: Deletion.
Coding change: c.9319del on transcript NM_182961.4 (MANE Select); coding-DNA position 9319, one base deleted (A; older notation c.9319delA).
Protein change: p.Ile3107fs; shifts the reading frame from isoleucine 3107.
Molecular consequence: frameshift variant.
Genome position (GRCh38, 1-based): chr6:152,376,386, T deleted on the plus strand (A on the coding strand, the reverse complement: SYNE1 is on the minus strand); the first of 4 consecutive T bases (chr6:152,376,386-152,376,389); deleting any one gives the same sequence. VCF-style (leftmost placement, unchanged base first): chr6-152376385-AT-A. GRCh37 (hg19) VCF-style: chr6-152697520-AT-A.
Other names: c.9340del, p.Ile3114fs (NM_033071.5); short protein forms I3107fs, I3114fs.
Identifiers: ClinVar variation 2070560 (VCV002070560.4), dbSNP rs2490994680, ClinGen allele CA2580075244.

ClinVar aggregate classification (germline): Pathogenic (1 of 4 stars; one submission).

Conditions:
Emery-Dreifuss muscular dystrophy 4, autosomal dominant (EDMD4). Also called: EMERY-DREIFUSS MUSCULAR DYSTROPHY 4 WITH VARIABLE FEATURES. Identifiers: Orphanet 261, MedGen C2751807, MONDO:0013071, OMIM 612998.
Autosomal recessive ataxia, Beauce type. Also called: SYNE1 Deficiency; Spinocerebellar ataxia, autosomal recessive 8; ATAXIA, RECESSIVE, OF BEAUCE; SYNE1-Related Autosomal Recessive Cerebellar Ataxia. Identifiers: Orphanet 88644, MedGen C1853116, MONDO:0012549, OMIM 610743.

Submission:

Labcorp Genetics (formerly Invitae), Labcorp
Classification: Pathogenic for Emery-Dreifuss muscular dystrophy 4, autosomal dominant; Autosomal recessive ataxia, Beauce type. Last evaluated: 2025-08-18. Review status: criteria provided, single submitter. Criteria: Invitae Variant Classification Sherloc (09022015). Collection method: clinical testing. Allele origin: germline.
Comment: This sequence change creates a premature translational stop signal (p.Ile3114Tyrfs*15) in the SYNE1 gene. It is expected to result in an absent or disrupted protein product. Loss-of-function variants in SYNE1 are known to be pathogenic (PMID: 19542096, 24319099, 27086870). This variant is not present in population databases (gnomAD no frequency). This variant has not been reported in the literature in individuals affected with SYNE1-related conditions. ClinVar contains an entry for this variant (Variation ID: 2070560). For these reasons, this variant has been classified as Pathogenic.

Literature cited by the submitters: PubMed 19542096; PubMed 24319099; PubMed 27086870.